The following is an entry in ClinVar:

ClinVar aggregate classification (germline): Uncertain significance (1 of 4 stars; one submission).

Allele frequency attached by ClinVar (database versions not stated): ExAC 0.00006; TOPMed 0.00009; gnomAD 0.00010; gnomAD exomes 0.00015; 1000 Genomes Project 30x 0.00016; 1000 Genomes Project 0.00020.
gnomAD v4.1: 236 of 1,613,258 alleles (0.015%); highest among the groups gnomAD compares: Non-Finnish European, 0.019%; no homozygotes.

Submissions (2):

Labcorp Genetics (formerly Invitae), Labcorp
Classification: Uncertain significance. Last evaluated: 2025-05-27. Review status: criteria provided, single submitter. Criteria: Invitae Variant Classification Sherloc (09022015). Collection method: clinical testing. Allele origin: germline.
Comment: This sequence change falls in intron 20 of the SIN3A gene. It does not directly change the encoded amino acid sequence of the SIN3A protein. It affects a nucleotide within the consensus splice site. This variant is present in population databases (rs202118407, gnomAD 0.01%). This variant has not been reported in the literature in individuals affected with SIN3A-related conditions. ClinVar contains an entry for this variant (Variation ID: 2183487). Variants that disrupt the consensus splice site are a relatively common cause of aberrant splicing (PMID: 17576681, 9536098). Algorithms developed to predict the effect of sequence changes on RNA splicing suggest that this variant is not likely to affect RNA splicing. In summary, the available evidence is currently insufficient to determine the role of this variant in disease. Therefore, it has been classified as a Variant of Uncertain Significance.

Dr. Peter K. Rogan Lab, Western University
No classification provided (evidence only). Condition: Melanoma. Review status: no classification provided. Collection method: in vitro. Allele origin: not applicable. Functional consequence: skipped exon. Not counted in ClinVar's aggregate classification.

Literature cited by the submitters: PubMed 17576681 (cited by Labcorp Genetics (formerly Invitae), Labcorp); PubMed 9536098 (cited by Labcorp Genetics (formerly Invitae), Labcorp).

NM_001145358.2(SIN3A):c.3591+4A>G

Gene: SIN3A (SIN3 transcription regulator family member A; minus strand). Cytogenetic location: 15q24.2.
Variant type: single nucleotide variant.
Coding change: c.3591+4A>G on transcript NM_001145358.2 (MANE Select); 4 bases into the intron after coding-DNA position 3591, A replaced by G.
Molecular consequence: intron variant.
Genome position (GRCh38, 1-based): chr15:75,375,661, T>C on the plus strand (A>G on the coding strand, the complement: SIN3A is on the minus strand). VCF-style: chr15-75375661-T-C. GRCh37 (hg19) VCF-style: chr15-75668002-T-C.
Other names: c.3591+4A>G (NM_001145357.2, NM_015477.3).
Identifiers: ClinVar variation 2183487 (VCV002183487.5), dbSNP rs202118407, ClinGen allele CA7667213.